The following is an entry in ClinVar:

ClinVar aggregate classification (germline): Benign. Review status: criteria provided, multiple submitters, no conflicts (2 of 4 stars). 9 submissions from 9 submitters: Benign (7). 2 of the submissions do not count toward it. Last evaluated 2026-02-04.

Conditions:
Cardiovascular phenotype. Identifiers: MedGen CN230736.
Hypertrophic cardiomyopathy 19. Also called: Familial hypertrophic cardiomyopathy 19. Identifiers: MedGen CN077603, MONDO:0013476.

Allele frequency attached by ClinVar (database versions not stated): 1000 Genomes Project 30x 0.65053; 1000 Genomes Project 0.65056; gnomAD 0.65389 and 0.65832; ESP Exome Variant Server 0.65393; TOPMed 0.66062.
gnomAD v4.1: 1,117,647 of 1,612,136 alleles (69%); highest among the groups gnomAD compares: Middle Eastern, 77%; 389,840 homozygotes.

Submissions (9):

Labcorp Genetics (formerly Invitae), Labcorp
Classification: Benign for Hypertrophic cardiomyopathy 19. Last evaluated: 2026-02-04. Review status: criteria provided, single submitter. Criteria: Invitae Variant Classification Sherloc (09022015). Collection method: clinical testing. Allele origin: germline.

Blueprint Genetics
Classification: Benign. Last evaluated: 2024-11-28. Review status: criteria provided, single submitter. Criteria: ACMG Guidelines, 2015. Collection method: clinical testing. Allele origin: germline.

GeneDx
Classification: Benign. Last evaluated: 2017-10-26. Review status: criteria provided, single submitter. Criteria: GeneDx Variant Classification (06012015). Collection method: clinical testing. Allele origin: germline. Affected: yes.
Comment: This variant is considered likely benign or benign based on one or more of the following criteria: it is a conservative change, it occurs at a poorly conserved position in the protein, it is predicted to be benign by multiple in silico algorithms, and/or has population frequency not consistent with disease.

Women's Health and Genetics/Laboratory Corporation of America, LabCorp
Classification: Benign. Last evaluated: 2017-08-16. Review status: criteria provided, single submitter. Criteria: LabCorp Variant Classification Summary - May 2015. Collection method: clinical testing. Allele origin: germline.
Comment: Variant summary: The CALR3 c.972C>T (p.Tyr324Tyr) variant involves the alteration of a non-conserved nucleotide, resulting in a synonymous change. Mutation taster predicts a polymorphism outcome for this variant. 5/5 splice prediction tools predict no significant impact on normal splicing. ESE finder predicts that this variant may affect ESE site of SF2/ASF. However, these predictions have yet to be confirmed by functional studies. This variant was found in 84616/121156 control chromosomes (29829 homozygotes) from ExAC at a frequency of 0.6984054, which is approximately 27936 times the estimated maximal expected allele frequency of a pathogenic CALR3 variant (0.000025), thus this variant is a common benign polymorphism. To our knowledge, this variant has not been reported in affected individuals via publications. Taken together, this variant is classified as benign.

Clinical Genetics DNA and cytogenetics Diagnostics Lab, Erasmus MC, Erasmus Medical Center
Classification: Benign for Hypertrophic cardiomyopathy 1. Last evaluated: 2015-09-21. Review status: criteria provided, single submitter. Criteria: ACGS Guidelines, 2013. Collection method: clinical testing. Allele origin: germline. Affected: yes. Study: VKGL Data-share Consensus.

Ambry Genetics
Classification: Benign for Cardiovascular phenotype. Last evaluated: 2012-07-11. Review status: criteria provided, single submitter. Criteria: Ambry Autosomal Dominant and X-Linked criteria (10/2015). Collection method: clinical testing. Allele origin: germline. Observed: 1 variant allele.

Breakthrough Genomics
Classification: Benign. Review status: criteria provided, single submitter. Criteria: ACMG Guidelines, 2015. Collection method: not provided. Allele origin: germline. Inheritance: Unknown mechanism. Affected: yes.

Clinical Genetics, Academic Medical Center
Classification: Benign. Review status: no assertion criteria provided. Collection method: clinical testing. Allele origin: germline. Affected: yes. Study: VKGL Data-share Consensus. Not counted in ClinVar's aggregate classification.

Diagnostic Laboratory, Department of Genetics, University Medical Center Groningen
Classification: Benign for Hypertrophic cardiomyopathy 1. Review status: no assertion criteria provided. Collection method: clinical testing. Allele origin: germline. Affected: yes. Study: VKGL Data-share Consensus. Not counted in ClinVar's aggregate classification.

NM_145046.5(CALR3):c.972C>T (p.Tyr324=)

Gene: CALR3 (calreticulin 3; minus strand). Cytogenetic location: 19p13.11.
Variant type: single nucleotide variant.
Coding change: c.972C>T on transcript NM_145046.5 (MANE Select); coding-DNA position 972, C replaced by T.
Protein change: p.Tyr324=; no amino-acid change (tyrosine 324 retained).
Molecular consequence: synonymous variant.
Genome position (GRCh38, 1-based): chr19:16,480,653, G>A on the plus strand (C>T on the coding strand, the complement: CALR3 is on the minus strand). VCF-style: chr19-16480653-G-A. GRCh37 (hg19) VCF-style: chr19-16591464-G-A.
Identifiers: ClinVar variation 496549 (VCV000496549.17), dbSNP rs9305079, ClinGen allele CA9278224.